The following is an entry in ClinVar:

ClinVar aggregate classification (germline): Likely benign. Review status: reviewed by expert panel (3 of 4 stars). 4 submissions from 4 submitters: Likely benign (1). 3 of the submissions do not count toward it. Last evaluated 2022-03-09.

Conditions:
ATM-related cancer predisposition. Also called: ATM-related cancer susceptibility. Identifiers: MedGen CN377759, MONDO:0700270.
Hereditary cancer-predisposing syndrome. Also called: Hereditary Cancer Syndrome; Neoplastic Syndromes, Hereditary; Tumor predisposition; Hereditary neoplastic syndrome. Identifiers: Orphanet 140162, MedGen C0027672, MeSH D009386, MONDO:0015356.
Familial cancer of breast. Also called: BREAST CANCER, FAMILIAL; hereditary breast carcinoma; Hereditary breast cancer. Identifiers: Orphanet 227535, MedGen C0346153, MONDO:0016419, OMIM 114480. Disease mechanism: loss of function.
Ataxia-telangiectasia syndrome (AT). Also called: ATAXIA-TELANGIECTASIA, COMPLEMENTATION GROUP A; ATAXIA-TELANGIECTASIA, FRESNO VARIANT; Ataxia-telangiectasia; LOUIS-BAR SYNDROME; Ataxia telangiectasia (A-T); Ataxia-telangiectasia, complementation group D. Identifiers: Orphanet 100, MedGen C0004135, MONDO:0008840, OMIM 208900.

Allele frequency attached by ClinVar (database versions not stated): TOPMed below 0.00001; gnomAD 0.00001; ESP Exome Variant Server 0.00008; gnomAD exomes 0.00001; ExAC 0.00002.
gnomAD v4.1: 1 of 1,613,962 alleles (0.000062%); highest among the groups gnomAD compares: African/African-American, 0.0013%; no homozygotes.

Submissions (4):

ClinGen Hereditary Breast, Ovarian and Pancreatic Cancer Variant Curation Expert Panel, ClinGen
Classification: Likely benign for ATM-related cancer predisposition. Last evaluated: 2022-03-09. Review status: reviewed by expert panel. Criteria: clingen hbop acmg specifications atm v1-1. Collection method: curation. Allele origin: germline. Inheritance: Autosomal dominant inheritance.
Comment: The ATM c.5544T>C (p.Asp1848=) variant is not predicted to impact splicing in multiple RNA in silico tools (BP4). This variant creates a synonymous change (BP7). In summary, this variant meets criteria to be classified as likely benign based on the ACMG/AMP criteria applied as specified by the HBOP Variant Curation Expert Panel.

Labcorp Genetics (formerly Invitae), Labcorp
Classification: Likely benign for Ataxia-telangiectasia syndrome. Last evaluated: 2025-10-14. Review status: criteria provided, single submitter. Criteria: Invitae Variant Classification Sherloc (09022015). Collection method: clinical testing. Allele origin: germline. Not counted in ClinVar's aggregate classification.

Myriad Genetics, Inc.
Classification: Benign for Familial cancer of breast. Last evaluated: 2024-05-23. Review status: criteria provided, single submitter. Criteria: Myriad Autosomal Dominant, Autosomal Recessive and X-Linked Classification Criteria (2023). Collection method: clinical testing. Allele origin: unknown. Not counted in ClinVar's aggregate classification.
Comment: This variant is considered benign. This variant is a silent/synonymous amino acid change and it is not expected to impact splicing.

Ambry Genetics
Classification: Likely benign for Hereditary cancer-predisposing syndrome. Last evaluated: 2015-06-05. Review status: criteria provided, single submitter. Criteria: Ambry Variant Classification Scheme 2023. Collection method: clinical testing. Allele origin: germline. Not counted in ClinVar's aggregate classification.

NM_000051.4(ATM):c.5544T>C (p.Asp1848=)

Gene: ATM (ATM serine/threonine kinase; plus strand). Cytogenetic location: 11q22.3.
Variant type: single nucleotide variant.
Coding change: c.5544T>C on transcript NM_000051.4 (MANE Select); coding-DNA position 5544, T replaced by C.
Protein change: p.Asp1848=; no amino-acid change (aspartic acid 1848 retained).
Molecular consequence: synonymous variant.
Genome position (GRCh38, 1-based): chr11:108,304,722, T>C. VCF-style: chr11-108304722-T-C. GRCh37 (hg19) VCF-style: chr11-108175449-T-C.
Other names: NM_000051.3(ATM):c.5544T>C; p.Asp1848=; c.5544T>C, p.Asp1848= (NM_001351834.2).
Identifiers: ClinVar variation 184944 (VCV000184944.17), dbSNP rs146568734, ClinGen allele CA190548.